The following is an entry in ClinVar:

NM_000038.6(APC):c.1029C>T (p.Ser343=)

Gene: APC (APC regulator of Wnt signaling pathway; plus strand). Cytogenetic location: 5q22.2.
Variant type: single nucleotide variant.
Coding change: c.1029C>T on transcript NM_000038.6 (MANE Select); coding-DNA position 1029, C replaced by T.
Protein change: p.Ser343=; no amino-acid change (serine 343 retained).
Molecular consequence: synonymous variant. On other transcripts: intron variant (4).
Genome position (GRCh38, 1-based): chr5:112,819,061, C>T. VCF-style: chr5-112819061-C-T. GRCh37 (hg19) VCF-style: chr5-112154758-C-T.
Other names: c.1029C>T, p.Ser343= (NM_001127510.3, NM_001354895.2, NM_001354896.2); c.975C>T, p.Ser325= (NM_001127511.3); c.1059C>T, p.Ser353= (NM_001354897.2); c.954C>T, p.Ser318= (NM_001354898.2); c.945C>T, p.Ser315= (NM_001354899.2); c.852C>T, p.Ser284= (NM_001354900.2, NM_001354901.2); c.180C>T, p.Ser60= (NM_001354906.2); c.964-208C>T (NM_001354902.2); and 3 more.
Identifiers: ClinVar variation 511643 (VCV000511643.8), dbSNP rs762233995, ClinGen allele CA026650.
Genomic context (GRCh38, chr5:112,819,061, plus strand): 5'-TACTCATGATAAGGATGATATGTCGCGAACTTTGCTAGCTATGTCTAGCTCCCAAGACAG[C>T]TGTATATCCATGCGACAGTCTGGATGTCTTCCTCTCCTCATCCAGCTTTTACATGGCAAT-3'
Protein context (NP_000029.2, residues 333-353): TLLAMSSSQD[Ser343=]CISMRQSGCL

ClinVar aggregate classification (germline): Benign/Likely benign. Review status: criteria provided, multiple submitters, no conflicts (2 of 4 stars). 4 submissions from 4 submitters: Benign (1); Likely benign (3). Last evaluated 2025-03-19.

Conditions:
Hereditary cancer-predisposing syndrome. Also called: Hereditary neoplastic syndrome; Hereditary Cancer Syndrome; Neoplastic Syndromes, Hereditary; Tumor predisposition. Identifiers: Orphanet 140162, MedGen C0027672, MeSH D009386, MONDO:0015356.
Familial adenomatous polyposis 1 (FAP1). Also called: FAMILIAL ADENOMATOUS POLYPOSIS 1, ATTENUATED; POLYPOSIS, ADENOMATOUS INTESTINAL. Identifiers: MedGen C2713442, MONDO:0021056, OMIM 175100. Disease mechanism: loss of function.

Allele frequency attached by ClinVar (database versions not stated): gnomAD exomes below 0.00001; ExAC 0.00001; gnomAD 0.00001; TOPMed 0.00001.
gnomAD v4.1: 1 of 1,614,006 alleles (0.000062%); highest among the groups gnomAD compares: African/African-American, 0.0013%; no homozygotes.

Submissions (4):

Labcorp Genetics (formerly Invitae), Labcorp
Classification: Likely benign for Familial adenomatous polyposis 1. Last evaluated: 2025-03-19. Review status: criteria provided, single submitter. Criteria: Invitae Variant Classification Sherloc (09022015). Collection method: clinical testing. Allele origin: germline.

Myriad Genetics, Inc.
Classification: Benign for Familial adenomatous polyposis 1. Last evaluated: 2024-02-29. Review status: criteria provided, single submitter. Criteria: Myriad Autosomal Dominant, Autosomal Recessive and X-Linked Classification Criteria (2023). Collection method: clinical testing. Allele origin: unknown.
Comment: This variant is considered benign. This variant is a silent/synonymous amino acid change and it is not expected to impact splicing.

Ambry Genetics
Classification: Likely benign for Hereditary cancer-predisposing syndrome. Last evaluated: 2021-02-24. Review status: criteria provided, single submitter. Criteria: Ambry Variant Classification Scheme 2023. Collection method: clinical testing. Allele origin: germline.

GeneDx
Classification: Likely benign. Last evaluated: 2017-08-22. Review status: criteria provided, single submitter. Criteria: GeneDx Variant Classification (06012015). Collection method: clinical testing. Allele origin: germline. Affected: yes.
Comment: This variant is considered likely benign or benign based on one or more of the following criteria: it is a conservative change, it occurs at a poorly conserved position in the protein, it is predicted to be benign by multiple in silico algorithms, and/or has population frequency not consistent with disease.